The following is an entry in ClinVar:

NM_000132.4(F8):c.1601T>C (p.Val534Ala)

Gene: F8 (coagulation factor VIII; minus strand). Cytogenetic location: Xq28.
Variant type: single nucleotide variant.
Coding change: c.1601T>C on transcript NM_000132.4 (MANE Select); coding-DNA position 1601, T replaced by C.
Protein change: p.Val534Ala; replaces valine 534 with alanine.
Molecular consequence: missense variant.
Genome position (GRCh38, 1-based): chrX:154,957,108, A>G on the plus strand (T>C on the coding strand, the complement: F8 is on the minus strand). VCF-style: chrX-154957108-A-G. GRCh37 (hg19) VCF-style: chrX-154185383-A-G.
Other names: short protein forms V534A.
Identifiers: ClinVar variation 439681 (VCV000439681.12), dbSNP rs1557281261, ClinGen allele CA414912004.
Genomic context (GRCh38, chrX:154,957,108, plus strand): 5'-CTAGAGTAATAGCGGGTCAGGCACCGAGGATCTGATTTAGTTGGCCCATCTTCTACAGTC[A>G]CTGTCCATTTATATTTGAATATTTCTCCTGGCAGAATTGGAAAATCCTTCAAATGTTTTA-3'
Protein context (NP_000123.1, residues 524-544): PGEIFKYKWT[Val534Ala]TVEDGPTKSD

ClinVar aggregate classification (germline): Conflicting classifications of pathogenicity. Review status: criteria provided, conflicting classifications (1 of 4 stars). 4 submissions from 4 submitters: Likely pathogenic (1); Uncertain significance (3). Last evaluated 2024-03-09.

Conditions:
Hereditary factor VIII deficiency disease (HEMA). Also called: HEMOPHILIA, CLASSIC; AUTOSOMAL HEMOPHILIA A; Hemophilia A; Hemophilia A, congenital; HEM A; Factor 8 deficiency, congenital. Identifiers: Orphanet 98878, MedGen C0019069, MONDO:0010602, OMIM 306700.
Thrombophilia, X-linked, due to factor 8 defect. Also called: Thrombophilia 13, X-linked, due to factor VIII defect; THROMBOPHILIA, X-LINKED, DUE TO FACTOR VIII DEFECT. Identifiers: MedGen C5676879, MONDO:0859082, OMIM 301071.

Allele frequency attached by ClinVar (database versions not stated): TOPMed below 0.00001; gnomAD 0.00001.
gnomAD v4.1: 2 of 1,209,502 alleles (0.00017%); highest among the groups gnomAD compares: Non-Finnish European, 0.00011%; no homozygotes.

Submissions (4):

Fulgent Genetics
Classification: Likely pathogenic for Thrombophilia, X-linked, due to factor 8 defect; Hereditary factor VIII deficiency disease. Last evaluated: 2024-03-09. Review status: criteria provided, single submitter. Criteria: ACMG Guidelines, 2015. Collection method: clinical testing. Allele origin: germline.

Women's Health and Genetics/Laboratory Corporation of America, LabCorp
Classification: Uncertain significance. Last evaluated: 2024-03-08. Review status: criteria provided, single submitter. Criteria: LabCorp Variant Classification Summary - May 2015. Collection method: clinical testing. Allele origin: germline.
Comment: Variant summary: F8 c.1601T>C (p.Val534Ala) results in a non-conservative amino acid change located in the Multicopper oxidase-like, N-terminal domain (IPR011707) of the encoded protein sequence. Five of five in-silico tools predict a damaging effect of the variant on protein function. The variant was absent in 183421 control chromosomes. The available data on variant occurrences in the general population are insufficient to allow any conclusion about variant significance. c.1601T>C has been reported in the literature as as a mild variant listed in the PedNet Registry of individuals affected with Factor VIII Deficiency (Hemophilia A) (Andersson_2020). These data do not allow any conclusion about variant significance. To our knowledge, no primary experimental evidence demonstrating an impact on protein function has been reported although the publication cited above lists reports a FVIII activity of 7% and a clinical significance of a mild class 5 category (Pathogenic). The following publication have been ascertained in the context of this evaluation (PMID: 32935414). ClinVar contains an entry for this variant (Variation ID: 439681). Based on the evidence outlined above, the variant was classified as uncertain significance.

ARUP Laboratories, Molecular Genetics and Genomics, ARUP Laboratories
Classification: Uncertain significance. Last evaluated: 2016-11-23. Review status: criteria provided, single submitter. Criteria: ARUP Molecular Germline Variant Investigation Process. Collection method: clinical testing. Allele origin: germline.

ISTH-SSC Genomics in Thrombosis and Hemostasis, KU Leuven, Center for Molecular and Vascular Biology
Classification: Uncertain significance for Hereditary factor VIII deficiency disease. Review status: criteria provided, single submitter. Criteria: ACMG Guidelines, 2015. Collection method: clinical testing. Allele origin: germline. Affected: yes. Observed: 1 heterozygote.
Comment: Submitted to GoldVariant by Kathleen Freson, Center for Molecular and Vascular Biology, Leuven, Belgium

Literature cited by the submitters: PubMed 32935414 (cited by Women's Health and Genetics/Laboratory Corporation of America, LabCorp).